The following is an entry in ClinVar:

ClinVar aggregate classification (germline): Uncertain significance (1 of 4 stars; one submission).

Submission:

Labcorp Genetics (formerly Invitae), Labcorp
Classification: Uncertain significance. Last evaluated: 2024-09-02. Review status: criteria provided, single submitter. Criteria: Invitae Variant Classification Sherloc (09022015). Collection method: clinical testing. Allele origin: germline.
Comment: This sequence change falls in intron 13 of the LZTR1 gene. It does not directly change the encoded amino acid sequence of the LZTR1 protein. This variant is not present in population databases (gnomAD no frequency). This variant has not been reported in the literature in individuals affected with LZTR1-related conditions. Experimental studies and prediction algorithms are not available or were not evaluated, and the functional significance of this variant is currently unknown. In summary, the available evidence is currently insufficient to determine the role of this variant in disease. Therefore, it has been classified as a Variant of Uncertain Significance.

NM_006767.4(LZTR1):c.1443_1449+10dup

Gene: LZTR1 (leucine zipper like post translational regulator 1; plus strand). Cytogenetic location: 22q11.21.
Variant type: Duplication.
Coding change: c.1443_1449+10dup on transcript NM_006767.4 (MANE Select); coding-DNA position 1443 through 10 bases into the intron after coding-DNA position 1449, 17 bases duplicated (GGCCCAGGTGAGGTGCC).
Molecular consequence: splice donor variant.
Genome position (GRCh38, 1-based): chr22:20,994,013-20,994,029, GGCCCAGGTGAGGTGCC duplicated. VCF-style (leftmost placement, unchanged base first): chr22-20994012-T-TGGCCCAGGTGAGGTGCC. GRCh37 (hg19) VCF-style: chr22-21348301-T-TGGCCCAGGTGAGGTGCC.
Identifiers: ClinVar variation 3664228 (VCV003664228.2).